The following is an entry in ClinVar:

ClinVar aggregate classification (germline): Uncertain significance. Review status: criteria provided, multiple submitters, no conflicts (2 of 4 stars). 2 submissions from 2 submitters: Uncertain significance (2). Last evaluated 2026-04-23.

Conditions:
Breast-ovarian cancer, familial, susceptibility to, 1 (BROVCA1). Also called: BRCA1 Hereditary Breast and Ovarian Cancer; OVARIAN CANCER, SUSCEPTIBILITY TO. Identifiers: Orphanet 145, MedGen C2676676, MONDO:0011450, OMIM 604370. Disease mechanism: loss of function.

Submissions (2):

Institut für angewandte Humangenetik und Onkogenetik Professor Froster
Classification: Uncertain significance for Breast-ovarian cancer, familial, susceptibility to, 1. Last evaluated: 2026-04-23. Review status: criteria provided, single submitter. Criteria: ACMG Guidelines, 2015. Collection method: clinical testing. Allele origin: germline. Inheritance: Autosomal dominant inheritance. Affected: yes. Observed: 1 variant allele, 1 heterozygote.
Comment: The missense variant c.4570T>A p.(Ser1524Thr), also known as c.4507T>A p.(Ser1503Thr), results in a serine to threonine substitution at codon 1524 (codon 1503 respectively). In silico prediction tools predominantly suggest a benign effect (BayesDel_noAF: −0.15, CADD: 1.3, PROVEAN: −0.30), while REVEL (0.59) provides an inconclusive prediction. The variant is absent from population databases (gnomAD). The variant has not been reported in the literature in individuals with hereditary breast and ovarian cancer (HBOC). No functional studies evaluating the impact of this variant have been reported. Segregation analysis could not be performed. The currently available evidence is insufficient to conclusively determine the role of this variant in disease, therefore, it is classified as a Variant of Uncertain Significance (PM2_SUP, BP4_SUP) .

All of Us Research Program, National Institutes of Health
Classification: Uncertain significance for Breast-ovarian cancer, familial, susceptibility to, 1. Last evaluated: 2023-11-02. Review status: criteria provided, single submitter. Criteria: ACMG Guidelines, 2015. Collection method: clinical testing. Allele origin: germline. Inheritance: Autosomal dominant inheritance. Observed: 1 variant allele, 1 heterozygote.
Comment: This missense variant replaces serine with threonine at codon 1503 of the BRCA1 protein. Computational prediction is inconclusive regarding the impact of this variant on protein structure and function (internally defined REVEL score threshold 0.5 < inconclusive < 0.7, PMID: 27666373). To our knowledge, functional studies have not been reported for this variant. This variant has not been reported in individuals affected with hereditary cancer in the literature. This variant has not been identified in the general population by the Genome Aggregation Database (gnomAD). The available evidence is insufficient to determine the role of this variant in disease conclusively. Therefore, this variant is classified as a Variant of Uncertain Significance.

This study involves interpretation of variants in research participants for the purpose of population health screening. Participant phenotype was not available at the time of variant classification. Additional details can be found in publication PMID: 35346344, PMCID: PMC8962531

NM_007294.4(BRCA1):c.4507T>A (p.Ser1503Thr)

Gene: BRCA1 (BRCA1 DNA repair associated; minus strand). Cytogenetic location: 17q21.31.
Variant type: single nucleotide variant.
Coding change: c.4507T>A on transcript NM_007294.4 (MANE Select); coding-DNA position 4507, T replaced by A.
Protein change: p.Ser1503Thr; replaces serine 1503 with threonine.
Molecular consequence: missense variant. On other transcripts: intron variant (3).
Genome position (GRCh38, 1-based): chr17:43,074,499, A>T on the plus strand (T>A on the coding strand, the complement: BRCA1 is on the minus strand). VCF-style: chr17-43074499-A-T. GRCh37 (hg19) VCF-style: chr17-41226516-A-T.
Other names: c.1195T>A, p.Ser399Thr (NM_007304.2, NM_007299.4, NM_001407979.1 and 13 more transcripts); c.836-3261T>A (NM_001408513.1); c.4214-3261T>A (NM_001407964.1); c.838+7905T>A (NM_001408514.1); c.4570T>A, p.Ser1524Thr (NM_007300.4, NM_001407583.1, NM_001407585.1 and 1 more transcripts); c.4429T>A, p.Ser1477Thr (NM_001407654.1, NM_001407655.1, NM_001407653.1); c.4426T>A, p.Ser1476Thr (NM_001407656.1, NM_001407657.1, NM_001407658.1); c.4423T>A, p.Ser1475Thr (NM_001407659.1, NM_001407660.1, NM_001407661.1 and 2 more transcripts); and 71 more; short protein forms S1206T, S1207T, S1334T, S1374T, S1375T, S1376T, S1390T, S1391T.
Identifiers: ClinVar variation 3069229 (VCV003069229.3), dbSNP rs2154022517, ClinGen allele CA10592515.